The following is an entry in ClinVar:

NM_000138.5(FBN1):c.4211-36C>T

Genes: FBN1 (fibrillin 1; minus strand), LOC126862124 (CDK7 strongly-dependent group 2 enhancer GRCh37_chr15:48764566-48765765; plus strand). Cytogenetic location: 15q21.1.
Variant type: single nucleotide variant.
Coding change: c.4211-36C>T on transcript NM_000138.5 (MANE Select); 36 bases into the intron before coding-DNA position 4211, C replaced by T.
Molecular consequence: intron variant.
Genome position (GRCh38, 1-based): chr15:48,472,712, G>A on the plus strand (C>T on the coding strand, the complement: FBN1 is on the minus strand). VCF-style: chr15-48472712-G-A. GRCh37 (hg19) VCF-style: chr15-48764909-G-A.
Other names: c.4211-36C>T (NM_001406716.1).
Identifiers: ClinVar variation 3047280 (VCV003047280.2), dbSNP rs372941790, ClinGen allele CA052286.
Genomic context (GRCh38, chr15:48,472,712, plus strand): 5'-AGGTTCTCAGAGCACTCATCAAGGTCTACAGCCAGAAAGAAACACACGTTACTCTTCCTC[G>A]GTTAGGGGCTTTCTAATTCCTCAGGTCTATCAACTTTCCAGTGCAGCAATGTTTTGGCAT-3'

ClinVar aggregate classification (germline): Likely benign (0 of 4 stars; one submission).

Conditions:
FBN1-related disorder. Also called: FBN1-related disorders.

Allele frequency attached by ClinVar (database versions not stated): gnomAD 0.00010; 1000 Genomes Project 30x 0.00016; ESP Exome Variant Server 0.00015; gnomAD exomes 0.00005; TOPMed 0.00012; 1000 Genomes Project 0.00020.
gnomAD v4.1: 94 of 1,614,010 alleles (0.0058%); highest among the groups gnomAD compares: African/African-American, 0.035%; no homozygotes.

Submission:

PreventionGenetics, part of Exact Sciences
Classification: Likely benign for FBN1-related condition. Last evaluated: 2022-06-24. Review status: no assertion criteria provided. Collection method: clinical testing. Allele origin: germline.
Comment: This variant is classified as likely benign based on ACMG/AMP sequence variant interpretation guidelines (Richards et al. 2015 PMID: 25741868, with internal and published modifications).